The following is an entry in ClinVar:

NM_032043.3(BRIP1):c.2399A>G (p.Tyr800Cys)

Gene: BRIP1 (BRCA1 interacting DNA helicase 1; minus strand). Cytogenetic location: 17q23.2.
Variant type: single nucleotide variant.
Coding change: c.2399A>G on transcript NM_032043.3 (MANE Select); coding-DNA position 2399, A replaced by G.
Protein change: p.Tyr800Cys; replaces tyrosine 800 with cysteine.
Molecular consequence: missense variant.
Genome position (GRCh38, 1-based): chr17:61,716,044, T>C on the plus strand (A>G on the coding strand, the complement: BRIP1 is on the minus strand). VCF-style: chr17-61716044-T-C. GRCh37 (hg19) VCF-style: chr17-59793405-T-C.
Other names: c.2399A>G (NM_032043.2); short protein forms Y800C.
Identifiers: ClinVar variation 1035023 (VCV001035023.10), dbSNP rs2061856846, ClinGen allele CA400479789.

ClinVar aggregate classification (germline): Uncertain significance. Review status: criteria provided, multiple submitters, no conflicts (2 of 4 stars). 2 submissions from 2 submitters: Uncertain significance (2). Last evaluated 2026-02-28.

Conditions:
Hereditary cancer-predisposing syndrome. Also called: Hereditary Cancer Syndrome; Neoplastic Syndromes, Hereditary; Tumor predisposition; Hereditary neoplastic syndrome. Identifiers: Orphanet 140162, MedGen C0027672, MeSH D009386, MONDO:0015356.
Fanconi anemia complementation group J. Also called: BRIP1-Related Fanconi Anemia. Identifiers: Orphanet 84, MedGen C1836860, MONDO:0012187, OMIM 609054.
Familial cancer of breast. Also called: BREAST CANCER, FAMILIAL; hereditary breast carcinoma; Hereditary breast cancer. Identifiers: Orphanet 227535, MedGen C0346153, MONDO:0016419, OMIM 114480. Disease mechanism: loss of function.

Submissions (2):

Ambry Genetics
Classification: Uncertain significance for Hereditary cancer-predisposing syndrome. Last evaluated: 2026-02-28. Review status: criteria provided, single submitter. Criteria: Ambry Variant Classification Scheme 2023. Collection method: clinical testing. Allele origin: germline.
Comment: The p.Y800C variant (also known as c.2399A>G), located in coding exon 16 of the BRIP1 gene, results from an A to G substitution at nucleotide position 2399. The tyrosine at codon 800 is replaced by cysteine, an amino acid with highly dissimilar properties. This amino acid position is conserved. In addition, this alteration is predicted to be deleterious by in silico analysis. Based on the available evidence, the clinical significance of this variant remains unclear.

Labcorp Genetics (formerly Invitae), Labcorp
Classification: Uncertain significance for Familial cancer of breast; Fanconi anemia complementation group J. Last evaluated: 2025-09-03. Review status: criteria provided, single submitter. Criteria: Invitae Variant Classification Sherloc (09022015). Collection method: clinical testing. Allele origin: germline.
Comment: This sequence change replaces tyrosine, which is neutral and polar, with cysteine, which is neutral and slightly polar, at codon 800 of the BRIP1 protein (p.Tyr800Cys). This variant is not present in population databases (gnomAD no frequency). This variant has not been reported in the literature in individuals affected with BRIP1-related conditions. ClinVar contains an entry for this variant (Variation ID: 1035023). Invitae Evidence Modeling of protein sequence and biophysical properties (such as structural, functional, and spatial information, amino acid conservation, physicochemical variation, residue mobility, and thermodynamic stability) indicates that this missense variant is expected to disrupt BRIP1 protein function with a positive predictive value of 95%. In summary, the available evidence is currently insufficient to determine the role of this variant in disease. Therefore, it has been classified as a Variant of Uncertain Significance.